The following is an entry in ClinVar:

NM_033629.6(TREX1):c.370C>G (p.His124Asp)

Genes: ATRIP (ATR interacting protein; plus strand), ATRIP-TREX1 (ATRIP-TREX1 readthrough; plus strand), TREX1 (three prime repair exonuclease 1; plus strand). Cytogenetic location: 3p21.31.
Variant type: single nucleotide variant.
Coding change: c.370C>G on transcript NM_033629.6 (MANE Select); coding-DNA position 370, C replaced by G.
Protein change: p.His124Asp; replaces histidine 124 with aspartic acid.
Molecular consequence: missense variant. On other transcripts: non-coding transcript variant (1), 3 prime UTR variant (4).
Genome position (GRCh38, 1-based): chr3:48,467,025, C>G. VCF-style: chr3-48467025-C-G. GRCh37 (hg19) VCF-style: chr3-48508424-C-G.
Other names: c.340C>G, p.His114Asp (NM_007248.5); c.*1471C>G (NM_001271022.2, NM_001271023.2, NM_032166.4 and 1 more transcripts); short protein forms H124D, H114D.
Identifiers: ClinVar variation 429418 (VCV000429418.2), dbSNP rs1131691368, ClinGen allele CA352617967.

ClinVar aggregate classification (germline): Likely pathogenic (1 of 4 stars; one submission).

Submission:

GeneDx
Classification: Likely pathogenic. Last evaluated: 2015-08-25. Review status: criteria provided, single submitter. Criteria: GeneDx Variant Classification (06012015). Collection method: clinical testing. Allele origin: germline. Affected: yes.
Comment: The H124D variant in the TREX1 gene has not been published as a pathogenic variant, nor has it been reported as a benign polymorphism to our knowledge. The H124D variant was not observed in approximately 6500 individuals of European and African American ancestry in the NHLBI Exome Sequencing Project, indicating it is not a common benign variant in these populations. In vitro structural and biochemical analyses demonstrated that the TREX1 protein harboring an alteration at the same codon (H124A) had a seven-fold reduction in exonuclease activity compared with the wild-type protein; this indicated that the highly evolutionarily conserved Histidine 124 residue plays a critical role in TREX1 activity (Brucet et al., 2008). The H124D variant is a non-conservative amino acid substitution, which is likely to impact secondary protein structure as these residues differ in polarity, charge, size and/or other properties. Additionally in silico analysis predicts the H124D variant is probably damaging to the protein structure/function. Missense variants in nearby residues (R114H, V122A, R128H, and P132A) have been reported in the Human Gene Mutation Database in association with TREX1-related disorders (Stenson et al., 2014), supporting the functional importance of this region of the protein. The H124D variant is a strong candidate for a disease-causing variant, however the possibility it may be a rare benign variant cannot be excluded.